The following is an entry in ClinVar:

ClinVar aggregate classification (germline): Pathogenic (1 of 4 stars; one submission).

Conditions:
Joubert syndrome and related disorders. Identifiers: Orphanet 140874, MedGen C5679612, MONDO:0015369.

Submission:

Myriad Genetics, Inc.
Classification: Pathogenic for Joubert syndrome and related disorders. Last evaluated: 2025-01-04. Review status: criteria provided, single submitter. Criteria: Myriad Autosomal Dominant, Autosomal Recessive and X-Linked Classification Criteria (2023). Collection method: clinical testing. Allele origin: unknown.
Comment: NM_001080522.2(CC2D2A):c.2781T>A(Y927*) is expected to be pathogenic in the context of CC2D2A-related disorders. This variant is predicted to lead to an abnormal or absent protein product due to the creation of a premature termination codon in CC2D2A, a gene where loss-of-function variants are known to be pathogenic. Please note: this variant was assessed in the context of healthy population screening.

NM_001378615.1(CC2D2A):c.2781T>A (p.Tyr927Ter)

Genes: CC2D2A (coiled-coil and C2 domain containing 2A; plus strand), FBXL5 (F-box and leucine rich repeat protein 5; minus strand). Cytogenetic location: 4p15.32.
Variant type: single nucleotide variant.
Coding change: c.2781T>A on transcript NM_001378615.1 (MANE Select); coding-DNA position 2781, T replaced by A.
Protein change: p.Tyr927Ter; replaces tyrosine 927 with a stop codon.
Molecular consequence: nonsense.
Genome position (GRCh38, 1-based): chr4:15,557,459, T>A. VCF-style: chr4-15557459-T-A. GRCh37 (hg19) VCF-style: chr4-15559082-T-A.
Other names: c.2781T>A, p.Tyr927Ter (NM_001080522.2); c.2634T>A, p.Tyr878Ter (NM_001378617.1); short protein forms Y878*, Y927*.
Identifiers: ClinVar variation 5013928 (VCV005013928.1).